The following is an entry in ClinVar:

Conditions:
Breast-ovarian cancer, familial, susceptibility to, 1 (BROVCA1). Also called: BRCA1 Hereditary Breast and Ovarian Cancer; OVARIAN CANCER, SUSCEPTIBILITY TO. Identifiers: Orphanet 145, MedGen C2676676, MONDO:0011450, OMIM 604370. Disease mechanism: loss of function.

Submission:

Brotman Baty Institute, University of Washington
No classification provided (evidence only). Condition: Breast-ovarian cancer, familial 1. Review status: no classification provided. Collection method: in vitro. Allele origin: not applicable. Functional consequence: functionally_normal.
ClinVar note: "not provided" was previously submitted as the classification for the variant. However, the classification appeared to be based only on an observation of functional data so it was converted to no classification on 2025-07-30.

NM_007294.4(BRCA1):c.178C>A (p.Gln60Lys)

Gene: BRCA1 (BRCA1 DNA repair associated; minus strand). Cytogenetic location: 17q21.31.
Variant type: single nucleotide variant.
Coding change: c.178C>A on transcript NM_007294.4 (MANE Select); coding-DNA position 178, C replaced by A.
Protein change: p.Gln60Lys; replaces glutamine 60 with lysine.
Molecular consequence: missense variant. On other transcripts: non-coding transcript variant (1).
Genome position (GRCh38, 1-based): chr17:43,106,490, G>T on the plus strand (C>A on the coding strand, the complement: BRCA1 is on the minus strand). VCF-style: chr17-43106490-G-T. GRCh37 (hg19) VCF-style: chr17-41258507-G-T.
Other names: c.37C>A, p.Gln13Lys (NM_001407696.1, NM_001407697.1, NM_001407698.1 and 99 more transcripts); c.-11C>A (NM_001407853.1, NM_001407879.1, NM_001407881.1 and 58 more transcripts); c.178C>A, p.Gln60Lys (NM_001407854.1, NM_001407858.1, NM_001407859.1 and 168 more transcripts); short protein forms Q13K, Q60K.
Identifiers: ClinVar variation 867304 (VCV000867304.3), dbSNP rs80357471, ClinGen allele CA10601806.
Genomic context (GRCh38, chr17:43,106,490, plus strand): 5'-CCTAGCATCATTACCAAATTATATACCTTTTGGTTATATCATTCTTACATAAAGGACACT[G>T]TGAAGGCCCTTTCTTCTGGTTGAGAAGTTTCAGCATGCAAAATCTATAAATTATAAAGAA-3'
Protein context (NP_009225.1, residues 50-70): KLLNQKKGPS[Gln60Lys]CPLCKNDITK